The following is an entry in ClinVar:

NM_177438.3(DICER1):c.4165C>A (p.Gln1389Lys)

Gene: DICER1 (dicer 1, ribonuclease III; minus strand). Cytogenetic location: 14q32.13.
Variant type: single nucleotide variant.
Coding change: c.4165C>A on transcript NM_177438.3 (MANE Select); coding-DNA position 4165, C replaced by A.
Protein change: p.Gln1389Lys; replaces glutamine 1389 with lysine.
Molecular consequence: missense variant. On other transcripts: non-coding transcript variant (6).
Genome position (GRCh38, 1-based): chr14:95,099,821, G>T on the plus strand (C>A on the coding strand, the complement: DICER1 is on the minus strand). VCF-style: chr14-95099821-G-T. GRCh37 (hg19) VCF-style: chr14-95566158-G-T.
Other names: c.4165C>A, p.Gln1389Lys (NM_001395679.1, NM_001395680.1, NM_001395682.1 and 12 more transcripts); c.3760C>A, p.Gln1254Lys (NM_001395689.1, NM_001395690.1, NM_001395687.1 and 2 more transcripts); c.3883C>A, p.Gln1295Lys (NM_001395686.1); c.3598C>A, p.Gln1200Lys (NM_001395691.1); c.2482C>A, p.Gln828Lys (NM_001395697.1); short protein forms Q828K, Q1200K, Q1389K, Q1295K, Q1254K.
Identifiers: ClinVar variation 3272006 (VCV003272006.1).

ClinVar aggregate classification (germline): Uncertain significance (1 of 4 stars; one submission).

Conditions:
Hereditary cancer-predisposing syndrome. Also called: Tumor predisposition; Hereditary Cancer Syndrome; Hereditary neoplastic syndrome; Neoplastic Syndromes, Hereditary. Identifiers: Orphanet 140162, MedGen C0027672, MeSH D009386, MONDO:0015356.

Submission:

Ambry Genetics
Classification: Uncertain significance for Hereditary cancer-predisposing syndrome. Last evaluated: 2024-04-16. Review status: criteria provided, single submitter. Criteria: Ambry Variant Classification Scheme 2023. Collection method: clinical testing. Allele origin: germline.
Comment: The p.Q1389K variant (also known as c.4165C>A), located in coding exon 21 of the DICER1 gene, results from a C to A substitution at nucleotide position 4165. The glutamine at codon 1389 is replaced by lysine, an amino acid with similar properties. This amino acid position is conserved. In addition, this alteration is predicted to be deleterious by in silico analysis. Based on the available evidence, the clinical significance of this variant remains unclear.